The following is an entry in ClinVar:

ClinVar aggregate classification (germline): Likely benign. Review status: criteria provided, multiple submitters, no conflicts (2 of 4 stars). 4 submissions from 4 submitters: Likely benign (4). Last evaluated 2025-11-04.

Conditions:
Hereditary breast ovarian cancer syndrome. Also called: Breast and ovarian cancer; Hereditary breast and/or ovarian cancer syndrome; BRCA1- and BRCA2-Associated Hereditary Breast and Ovarian Cancer; Hereditary breast and ovarian cancer syndrome; Hereditary breast and ovarian cancer syndrome (HBOC); Hereditary breast and ovarian cancer. Identifiers: Orphanet 145, MedGen C0677776, MeSH D061325, MONDO:0003582. Disease mechanism: loss of function.
Hereditary cancer-predisposing syndrome. Also called: Tumor predisposition; Hereditary Cancer Syndrome; Hereditary neoplastic syndrome; Neoplastic Syndromes, Hereditary. Identifiers: Orphanet 140162, MedGen C0027672, MeSH D009386, MONDO:0015356.

Submissions (5):

Women's Health and Genetics/Laboratory Corporation of America, LabCorp
Classification: Likely benign. Last evaluated: 2025-11-04. Review status: criteria provided, single submitter. Criteria: LabCorp Variant Classification Summary - May 2015. Collection method: clinical testing. Allele origin: germline.
Comment: Variant summary: BRCA1 c.5152+9A>G alters a nucleotide located at a position not widely known to affect splicing. Consensus agreement among computation tools predict no significant impact on normal splicing. At least one publication reports experimental evidence evaluating an impact on protein function and showed no damaging effect of this variant on homology directed repair (HDR) activity (Findlay_2018). The variant was absent in 251142 control chromosomes. The available data on variant occurrences in the general population are insufficient to allow any conclusion about variant significance. To our knowledge, no occurrence of c.5152+9A>G in individuals affected with BRCA1-related conditions has been reported. The following publication has been ascertained in the context of this evaluation (PMID: 30209399). ClinVar contains an entry for this variant (Variation ID: 491097). Based on the evidence outlined above, the variant was classified as likely benign.

Blueprint Genetics
Classification: Likely benign. Last evaluated: 2023-07-09. Review status: criteria provided, single submitter. Criteria: ACMG Guidelines, 2015. Collection method: clinical testing. Allele origin: germline.

Labcorp Genetics (formerly Invitae), Labcorp
Classification: Likely benign for Hereditary breast ovarian cancer syndrome. Last evaluated: 2018-12-04. Review status: criteria provided, single submitter. Criteria: Invitae Variant Classification Sherloc (09022015). Collection method: clinical testing. Allele origin: germline.

Color Diagnostics, LLC DBA Color Health
Classification: Likely benign for Hereditary cancer-predisposing syndrome. Last evaluated: 2017-05-16. Review status: criteria provided, single submitter. Criteria: ACMG Guidelines, 2015. Collection method: clinical testing. Allele origin: germline.

Brotman Baty Institute, University of Washington
No classification provided (evidence only). Condition: Breast-ovarian cancer, familial 1. Review status: no classification provided. Collection method: in vitro. Allele origin: not applicable. Functional consequence: functionally_normal. Not counted in ClinVar's aggregate classification.
ClinVar note: "not provided" was previously submitted as the classification for the variant. However, the classification appeared to be based only on an observation of functional data so it was converted to no classification on 2025-07-30.

Literature cited by the submitters: PubMed 30209399 (cited by Women's Health and Genetics/Laboratory Corporation of America, LabCorp).

NM_007294.4(BRCA1):c.5152+9A>G

Gene: BRCA1 (BRCA1 DNA repair associated; minus strand). Cytogenetic location: 17q21.31.
Variant type: single nucleotide variant.
Coding change: c.5152+9A>G on transcript NM_007294.4 (MANE Select); 9 bases into the intron after coding-DNA position 5152, A replaced by G.
Molecular consequence: intron variant.
Genome position (GRCh38, 1-based): chr17:43,063,865, T>C on the plus strand (A>G on the coding strand, the complement: BRCA1 is on the minus strand). VCF-style: chr17-43063865-T-C. GRCh37 (hg19) VCF-style: chr17-41215882-T-C.
Other names: c.1699+9A>G (NM_001408458.1, NM_001408461.1, NM_001408464.1 and 7 more transcripts); c.4261+9A>G (NM_001407967.1); c.4771+9A>G (NM_001407959.1); c.4885+9A>G (NM_001407931.1, NM_001407932.1, NM_001407928.1 and 4 more transcripts); c.5008+9A>G (NM_001407747.1, NM_001407745.1, NM_001407737.1 and 21 more transcripts); c.4768+9A>G (NM_001407962.1, NM_001407960.1); c.1339+9A>G (NM_001408512.1); c.1462+9A>G (NM_001408510.1); and 73 more.
Identifiers: ClinVar variation 491097 (VCV000491097.16), dbSNP rs1060504576, ClinGen allele CA658684100.